The following is an entry in ClinVar:

NM_001330260.2(SCN8A):c.5522G>A (p.Arg1841His)

Gene: SCN8A (sodium voltage-gated channel alpha subunit 8; plus strand). Cytogenetic location: 12q13.13.
Variant type: single nucleotide variant.
Coding change: c.5522G>A on transcript NM_001330260.2 (MANE Select); coding-DNA position 5522, G replaced by A.
Protein change: p.Arg1841His; replaces arginine 1841 with histidine.
Molecular consequence: missense variant.
Genome position (GRCh38, 1-based): chr12:51,807,008, G>A. VCF-style: chr12-51807008-G-A. GRCh37 (hg19) VCF-style: chr12-52200792-G-A.
Other names: c.5399G>A, p.Arg1800His (NM_001177984.3, NM_001369788.1); c.5522G>A, p.Arg1841His (NM_014191.4); c.5522G>A (NM_014191.2); short protein forms R1800H, R1841H.
Identifiers: ClinVar variation 2039724 (VCV002039724.6), dbSNP rs1938720909, ClinGen allele CA384887139.
Genomic context (GRCh38, chr12:51,807,008, plus strand): 5'-TGCCCAAGCCCAATACCATTGAGCTCATCGCTATGGATCTGCCAATGGTGAGCGGGGATC[G>A]CATCCACTGCTTGGACATCCTTTTTGCCTTCACCAAGCGGGTCCTGGGAGATAGCGGGGA-3'
Protein context (NP_001317189.1, residues 1831-1851): AMDLPMVSGD[Arg1841His]IHCLDILFAF

ClinVar aggregate classification (germline): Uncertain significance. Review status: criteria provided, multiple submitters, no conflicts (2 of 4 stars). 3 submissions from 3 submitters: Uncertain significance (3). Last evaluated 2024-01-04.

Conditions:
Inborn genetic diseases. Identifiers: MedGen C0950123, MeSH D030342.
Early-infantile DEE. Also called: Ohtahara syndrome; Early infantile epileptic encephalopathy; Early infantile epileptic encephalopathy with suppression bursts. Identifiers: Orphanet 1934, MedGen C0393706, MONDO:0800491.

Allele frequency attached by ClinVar (database versions not stated): gnomAD exomes below 0.00001.
gnomAD v4.1: 3 of 1,613,940 alleles (0.00019%); highest among the groups gnomAD compares: East Asian, 0.0022%; no homozygotes.

Submissions (3):

Ambry Genetics
Classification: Uncertain significance for Inborn genetic diseases. Last evaluated: 2024-01-04. Review status: criteria provided, single submitter. Criteria: Ambry Variant Classification Scheme 2023. Collection method: clinical testing. Allele origin: germline.

Labcorp Genetics (formerly Invitae), Labcorp
Classification: Uncertain significance for Early-infantile DEE. Last evaluated: 2023-08-19. Review status: criteria provided, single submitter. Criteria: Invitae Variant Classification Sherloc (09022015). Collection method: clinical testing. Allele origin: germline.
Comment: This sequence change replaces arginine, which is basic and polar, with histidine, which is basic and polar, at codon 1841 of the SCN8A protein (p.Arg1841His). In summary, the available evidence is currently insufficient to determine the role of this variant in disease. Therefore, it has been classified as a Variant of Uncertain Significance. Advanced modeling of protein sequence and biophysical properties (such as structural, functional, and spatial information, amino acid conservation, physicochemical variation, residue mobility, and thermodynamic stability) performed at Invitae indicates that this missense variant is expected to disrupt SCN8A protein function. ClinVar contains an entry for this variant (Variation ID: 2039724). This variant has not been reported in the literature in individuals affected with SCN8A-related conditions. This variant is not present in population databases (gnomAD no frequency).

Blueprint Genetics
Classification: Uncertain significance. Last evaluated: 2022-03-10. Review status: criteria provided, single submitter. Criteria: ACMG Guidelines, 2015. Collection method: clinical testing. Allele origin: germline.